The following is an entry in ClinVar:

NM_014112.5(TRPS1):c.988A>G (p.Ile330Val)

Gene: TRPS1 (transcriptional repressor GATA binding 1; minus strand). Cytogenetic location: 8q23.3.
Variant type: single nucleotide variant.
Coding change: c.988A>G on transcript NM_014112.5 (MANE Select); coding-DNA position 988, A replaced by G.
Protein change: p.Ile330Val; replaces isoleucine 330 with valine.
Molecular consequence: missense variant.
Genome position (GRCh38, 1-based): chr8:115,604,981, T>C on the plus strand (A>G on the coding strand, the complement: TRPS1 is on the minus strand). VCF-style: chr8-115604981-T-C. GRCh37 (hg19) VCF-style: chr8-116617208-T-C.
Other names: c.961A>G, p.Ile321Val (NM_001282902.3); c.967A>G, p.Ile323Val (NM_001282903.3); c.949A>G, p.Ile317Val (NM_001330599.2); short protein forms I317V, I330V, I321V, I323V.
Identifiers: ClinVar variation 1445102 (VCV001445102.8), dbSNP rs748358474, ClinGen allele CA4851895.

ClinVar aggregate classification (germline): Uncertain significance (1 of 4 stars; one submission).

Conditions:
Trichorhinophalangeal syndrome, type III (TRPS3). Also called: SUGIO-KAJII SYNDROME. Identifiers: Orphanet 77258, MedGen C1860823, OMIM 190351, MONDO:0008597.
Trichorhinophalangeal dysplasia type I (TRPS1). Also called: TRPS I; TRICHORHINOPHALANGEAL SYNDROME, TYPE I. Identifiers: Orphanet 77258, MedGen C0432233, MONDO:0008596, OMIM 190350.

Allele frequency attached by ClinVar (database versions not stated): gnomAD exomes below 0.00001 and 0.00001; TOPMed below 0.00001; ExAC 0.00001; gnomAD 0.00001.
gnomAD v4.1: 5 of 1,613,616 alleles (0.00031%); highest among the groups gnomAD compares: Non-Finnish European, 0.00042%; no homozygotes.

Submission:

Labcorp Genetics (formerly Invitae), Labcorp
Classification: Uncertain significance for Trichorhinophalangeal syndrome, type III; Trichorhinophalangeal dysplasia type I. Last evaluated: 2022-07-11. Review status: criteria provided, single submitter. Criteria: Invitae Variant Classification Sherloc (09022015). Collection method: clinical testing. Allele origin: germline.
Comment: In summary, the available evidence is currently insufficient to determine the role of this variant in disease. Therefore, it has been classified as a Variant of Uncertain Significance. Algorithms developed to predict the effect of missense changes on protein structure and function (SIFT, PolyPhen-2, Align-GVGD) all suggest that this variant is likely to be disruptive. ClinVar contains an entry for this variant (Variation ID: 1445102). This variant has not been reported in the literature in individuals affected with TRPS1-related conditions. This variant is present in population databases (rs748358474, gnomAD 0.0009%). This sequence change replaces isoleucine, which is neutral and non-polar, with valine, which is neutral and non-polar, at codon 330 of the TRPS1 protein (p.Ile330Val).